The following is an entry in ClinVar:

NM_000203.5(IDUA):c.669C>G (p.Asp223Glu)

Gene: IDUA (alpha-L-iduronidase; plus strand). Cytogenetic location: 4p16.3.
Variant type: single nucleotide variant.
Coding change: c.669C>G on transcript NM_000203.5 (MANE Select); coding-DNA position 669, C replaced by G.
Protein change: p.Asp223Glu; replaces aspartic acid 223 with glutamic acid.
Molecular consequence: missense variant. On other transcripts: non-coding transcript variant (1).
Genome position (GRCh38, 1-based): chr4:1,001,758, C>G. VCF-style: chr4-1001758-C-G. GRCh37 (hg19) VCF-style: chr4-995546-C-G.
Other names: NM_000203.5(IDUA):c.669C>G; p.Asp223Glu; c.273C>G, p.Asp91Glu (NM_001363576.1); short protein forms D223E, D91E.
Identifiers: ClinVar variation 1968567 (VCV001968567.6), dbSNP rs1715092108, ClinGen allele CA355962032.
Genomic context (GRCh38, chr4:1,001,758, plus strand): 5'-TGCCTGCTCGGAGGGTCTGCGCGCCGCCAGCCCCGCCCTGCGGCTGGGAGGCCCCGGCGA[C>G]TCCTTCCACACCCCACCGCGATCCCCGCTGAGCTGGGGCCTCCTGCGCCACTGCCACGAC-3'
Protein context (NP_000194.2, residues 213-233): SPALRLGGPG[Asp223Glu]SFHTPPRSPL

ClinVar aggregate classification (germline): Uncertain significance. Review status: reviewed by expert panel (3 of 4 stars). 2 submissions from 2 submitters: Uncertain significance (1). 1 of the submissions does not count toward it. Last evaluated 2024-12-06.

Conditions:
Mucopolysaccharidosis type 1. Also called: Mucopolysaccharidosis Type I; IDUA deficiency; MPS I. Identifiers: Orphanet 579, MedGen C0023786, MONDO:0001586.

Allele frequency attached by ClinVar (database versions not stated): gnomAD exomes below 0.00001; TOPMed 0.00001.
gnomAD v4.1: 3 of 1,598,978 alleles (0.00019%); highest among the groups gnomAD compares: African/African-American, 0.0027%; no homozygotes.

Submissions (2):

ClinGen Lysosomal Storage Disorder Variant Curation Expert Panel
Classification: Uncertain significance for Mucopolysaccharidosis type 1. Last evaluated: 2024-12-06. Review status: reviewed by expert panel. Criteria: ClinGen LSD ACMG Specifications IDUA V1.0.0. Collection method: curation. Allele origin: germline. Inheritance: Autosomal recessive inheritance.
Comment: The NM_000203.5:c.669C>G variant in IDUA is a missense variant predicted to cause substitution of aspartic acid by glutamic acid at amino acid 223 (p.Asp223Glu). To our knowledge, the results of functional assays have not been reported for this variant and this variant has not been reported in the literature in any individuals with MPS1. The highest population minor allele frequency in gnomAD v4.1.0 is 0.00002671 (2/74888 alleles; no homozygotes) in the African / African American population, which is lower than the ClinGen Lysosomal Diseases VCEP’s threshold for PM2_Supporting (<0.00025), meeting this criterion (PM2_Supporting). The computational predictor REVEL gives a score of 0.704 which is in the range 0.644-0.773, evidence that correlates with impact to IDUA function at the supporting level (PP3). There is a ClinVar entry for this variant (Variation ID: 1968567. In summary, this variant meets the criteria to be classified as a variant of uncertain significance for MPS I based on the ACMG/AMP criteria applied, as specified by the ClinGen Lysosomal Diseases Variant Curation Expert panel (Specifications Version 1.0.0): PP3, PM2_Supporting. (Classification approved by the ClinGen Lysosomal Diseases Variant Curation Expert Panel on December 6, 2024)

Labcorp Genetics (formerly Invitae), Labcorp
Classification: Uncertain significance for Mucopolysaccharidosis type 1. Last evaluated: 2022-07-15. Review status: criteria provided, single submitter. Criteria: Invitae Variant Classification Sherloc (09022015). Collection method: clinical testing. Allele origin: germline. Not counted in ClinVar's aggregate classification.
Comment: In summary, the available evidence is currently insufficient to determine the role of this variant in disease. Therefore, it has been classified as a Variant of Uncertain Significance. Advanced modeling of protein sequence and biophysical properties (such as structural, functional, and spatial information, amino acid conservation, physicochemical variation, residue mobility, and thermodynamic stability) performed at Invitae indicates that this missense variant is expected to disrupt IDUA protein function. This variant has not been reported in the literature in individuals affected with IDUA-related conditions. This variant is not present in population databases (gnomAD no frequency). This sequence change replaces aspartic acid, which is acidic and polar, with glutamic acid, which is acidic and polar, at codon 223 of the IDUA protein (p.Asp223Glu).